The following is an entry in ClinVar:

ClinVar aggregate classification (germline): Uncertain significance. Review status: criteria provided, multiple submitters, no conflicts (2 of 4 stars). 2 submissions from 2 submitters: Uncertain significance (2). Last evaluated 2025-10-07.

Allele frequency attached by ClinVar (database versions not stated): ESP Exome Variant Server 0.00008.
gnomAD v4.1: 113 of 1,601,128 alleles (0.0071%); highest among the groups gnomAD compares: Non-Finnish European, 0.0092%; no homozygotes.

Submissions (2):

Ambry Genetics
Classification: Uncertain significance. Last evaluated: 2025-10-07. Review status: criteria provided, single submitter. Criteria: Ambry Variant Classification Scheme 2023. Collection method: clinical testing. Allele origin: germline.

Labcorp Genetics (formerly Invitae), Labcorp
Classification: Uncertain significance. Last evaluated: 2022-09-27. Review status: criteria provided, single submitter. Criteria: Invitae Variant Classification Sherloc (09022015). Collection method: clinical testing. Allele origin: germline.
Comment: In summary, the available evidence is currently insufficient to determine the role of this variant in disease. Therefore, it has been classified as a Variant of Uncertain Significance. Algorithms developed to predict the effect of missense changes on protein structure and function are either unavailable or do not agree on the potential impact of this missense change (SIFT: "Deleterious"; PolyPhen-2: "Possibly Damaging"; Align-GVGD: "Class C0"). This variant has not been reported in the literature in individuals affected with IFT57-related conditions. This variant is present in population databases (rs150919951, gnomAD 0.005%). This sequence change replaces proline, which is neutral and non-polar, with glutamine, which is neutral and polar, at codon 69 of the IFT57 protein (p.Pro69Gln).

NM_018010.4(IFT57):c.206C>A (p.Pro69Gln)

Gene: IFT57 (intraflagellar transport 57; minus strand). Cytogenetic location: 3q13.13.
Variant type: single nucleotide variant.
Coding change: c.206C>A on transcript NM_018010.4 (MANE Select); coding-DNA position 206, C replaced by A.
Protein change: p.Pro69Gln; replaces proline 69 with glutamine.
Molecular consequence: missense variant.
Genome position (GRCh38, 1-based): chr3:108,222,117, G>T on the plus strand (C>A on the coding strand, the complement: IFT57 is on the minus strand). VCF-style: chr3-108222117-G-T. GRCh37 (hg19) VCF-style: chr3-107940964-G-T.
Other names: c.206C>A (NM_018010.3); short protein forms P69Q.
Identifiers: ClinVar variation 1908171 (VCV001908171.7), dbSNP rs150919951, ClinGen allele CA2526809.